The following is an entry in ClinVar:

NM_000548.5(TSC2):c.4981A>G (p.Thr1661Ala)

Gene: TSC2 (TSC complex subunit 2; plus strand). Cytogenetic location: 16p13.3.
Variant type: single nucleotide variant.
Coding change: c.4981A>G on transcript NM_000548.5 (MANE Select); coding-DNA position 4981, A replaced by G.
Protein change: p.Thr1661Ala; replaces threonine 1661 with alanine.
Molecular consequence: missense variant. On other transcripts: non-coding transcript variant (5).
Genome position (GRCh38, 1-based): chr16:2,086,863, A>G. VCF-style: chr16-2086863-A-G. GRCh37 (hg19) VCF-style: chr16-2136864-A-G.
Other names: c.4780A>G, p.Thr1594Ala (NM_001077183.3); c.4912A>G, p.Thr1638Ala (NM_001114382.3); c.4672A>G, p.Thr1558Ala (NM_001318827.2); c.4636A>G, p.Thr1546Ala (NM_001318829.2); c.4249A>G, p.Thr1417Ala (NM_001318831.2); c.4813A>G, p.Thr1605Ala (NM_001318832.2); c.4783A>G, p.Thr1595Ala (NM_001363528.2); c.4849A>G, p.Thr1617Ala (NM_001370404.1); and 26 more; short protein forms T1060A, T1146A, T1147A, T1169A, T1170A, T1190A, T1394A, T1395A.
Identifiers: ClinVar variation 3232182 (VCV003232182.1), dbSNP rs2544408808, ClinGen allele CA394309181.
Genomic context (GRCh38, chr16:2,086,863, plus strand): 5'-CTGGGCAACGACTTTGTGTCCATTGTCTACAATGACTCCGGTGAGGACTTCAAGCTTGGC[A>G]CCATCAAGGTGAGTGAGGGGCCGTCAGTGAGGCTGGGCCCCAGGCAGGTGCCCACTGCTG-3'
Protein context (NP_000539.2, residues 1651-1671): NDSGEDFKLG[Thr1661Ala]IKGQFNFVHV

ClinVar aggregate classification (germline): Uncertain significance (1 of 4 stars; one submission).

Conditions:
Hereditary cancer-predisposing syndrome. Also called: Neoplastic Syndromes, Hereditary; Tumor predisposition; Hereditary neoplastic syndrome; Hereditary Cancer Syndrome. Identifiers: Orphanet 140162, MedGen C0027672, MeSH D009386, MONDO:0015356.

Submission:

Ambry Genetics
Classification: Uncertain significance for Hereditary cancer-predisposing syndrome. Last evaluated: 2023-10-06. Review status: criteria provided, single submitter. Criteria: Ambry Variant Classification Scheme 2023. Collection method: clinical testing. Allele origin: germline.
Comment: The p.T1661A variant (also known as c.4981A>G), located in coding exon 37 of the TSC2 gene, results from an A to G substitution at nucleotide position 4981. The threonine at codon 1661 is replaced by alanine, an amino acid with similar properties. This amino acid position is conserved. In addition, this alteration is predicted to be deleterious by in silico analysis. Since supporting evidence is limited at this time, the clinical significance of this alteration remains unclear.